The following is an entry in ClinVar:

ClinVar aggregate classification (germline): Uncertain significance. Review status: criteria provided, multiple submitters, no conflicts (2 of 4 stars). 2 submissions from 2 submitters: Uncertain significance (2). Last evaluated 2026-04-01.

Conditions:
Spastic paraplegia. Identifiers: MedGen C0037772, HP:0001258.

Allele frequency attached by ClinVar (database versions not stated): gnomAD 0.00002 and 0.00001; gnomAD exomes 0.00002 and 0.00006; TOPMed below 0.00001; ExAC 0.00002.

Submissions (2):

CeGaT Center for Human Genetics Tuebingen
Classification: Uncertain significance. Last evaluated: 2026-04-01. Review status: criteria provided, single submitter. Criteria: CeGaT Center For Human Genetics Tuebingen Variant Classification Criteria Version 2. Collection method: clinical testing. Allele origin: germline. Affected: yes. Observed: 1 variant allele.
Comment: ZFYVE26: PM2, BP4

Labcorp Genetics (formerly Invitae), Labcorp
Classification: Uncertain significance for Spastic paraplegia. Last evaluated: 2021-08-20. Review status: criteria provided, single submitter. Criteria: Invitae Variant Classification Sherloc (09022015). Collection method: clinical testing. Allele origin: germline.
Comment: This sequence change replaces serine with proline at codon 808 of the ZFYVE26 protein (p.Ser808Pro). The serine residue is highly conserved and there is a moderate physicochemical difference between serine and proline. This variant is present in population databases (rs758794744, ExAC 0.003%). This variant has not been reported in the literature in individuals affected with ZFYVE26-related conditions. Algorithms developed to predict the effect of missense changes on protein structure and function are either unavailable or do not agree on the potential impact of this missense change (SIFT: "Deleterious"; PolyPhen-2: "Benign"; Align-GVGD: "Class C65"). In summary, the available evidence is currently insufficient to determine the role of this variant in disease. Therefore, it has been classified as a Variant of Uncertain Significance.

NM_015346.4(ZFYVE26):c.2422T>C (p.Ser808Pro)

Gene: ZFYVE26 (zinc finger FYVE-type containing 26; minus strand). Cytogenetic location: 14q24.1.
Variant type: single nucleotide variant.
Coding change: c.2422T>C on transcript NM_015346.4 (MANE Select); coding-DNA position 2422, T replaced by C.
Protein change: p.Ser808Pro; replaces serine 808 with proline.
Molecular consequence: missense variant.
Genome position (GRCh38, 1-based): chr14:67,793,739, A>G on the plus strand (T>C on the coding strand, the complement: ZFYVE26 is on the minus strand). VCF-style: chr14-67793739-A-G. GRCh37 (hg19) VCF-style: chr14-68260456-A-G.
Other names: short protein forms S808P.
Identifiers: ClinVar variation 861691 (VCV000861691.8), dbSNP rs758794744, ClinGen allele CA7240280.